The following is an entry in ClinVar:

NM_001017962.3(P4HA1):c.1084C>T (p.Arg362Ter)

Gene: P4HA1 (prolyl 4-hydroxylase subunit alpha 1; minus strand). Cytogenetic location: 10q22.1.
Variant type: single nucleotide variant.
Coding change: c.1084C>T on transcript NM_001017962.3 (MANE Select); coding-DNA position 1084, C replaced by T.
Protein change: p.Arg362Ter; replaces arginine 362 with a stop codon.
Molecular consequence: nonsense. On other transcripts: intron variant (2).
Genome position (GRCh38, 1-based): chr10:73,045,045, G>A on the plus strand (C>T on the coding strand, the complement: P4HA1 is on the minus strand). VCF-style: chr10-73045045-G-A. GRCh37 (hg19) VCF-style: chr10-74804803-G-A.
Other names: c.1084C>T, p.Arg362Ter (NM_001142595.2); c.1078-1088C>T (NM_001142596.2, NM_000917.4); short protein forms R362*.
Identifiers: ClinVar variation 4856093 (VCV004856093.1).

ClinVar aggregate classification (germline): Likely pathogenic (1 of 4 stars; one submission).

Conditions:
P4HA1-related disorder. Also called: P4HA1-related condition.

gnomAD v4.1: 25 of 1,612,926 alleles (0.0015%); highest among the groups gnomAD compares: African/African-American, 0.004%; no homozygotes.

Submission:

3billion
Classification: Likely pathogenic for P4HA1-related disorder. Last evaluated: 2025-09-29. Review status: criteria provided, single submitter. Criteria: ACMG Guidelines, 2015. Collection method: clinical testing. Allele origin: germline. Affected: yes.
Comment: The variant is observed at an extremely low frequency in the gnomAD v4.1.0 dataset (total allele frequency: 0.002%). Predicted Consequence/Location: Stop-gained (nonsense): predicted to result in a loss or disruption of normal protein function through nonsense-mediated decay (NMD) or protein truncation. Multiple pathogenic variants are reported downstream of the variant. Therefore, this variant is classified as Likely pathogenic according to the recommendation of ACMG/AMP guideline.